The following is an entry in ClinVar:

ClinVar aggregate classification (germline): Likely pathogenic (1 of 4 stars; one submission).

Conditions:
Autosomal recessive limb-girdle muscular dystrophy type 2J (LGMDR10). Also called: Limb-girdle muscular dystrophy, type 2J; MUSCULAR DYSTROPHY, LIMB-GIRDLE, AUTOSOMAL RECESSIVE 10. Identifiers: Orphanet 140922, MedGen C1837342, MONDO:0012127, OMIM 608807.
Dilated cardiomyopathy 1G (CMD1G). Identifiers: Orphanet 154, MedGen C1858763, MONDO:0011400, OMIM 604145.

Submission:

Labcorp Genetics (formerly Invitae), Labcorp
Classification: Likely pathogenic for Dilated cardiomyopathy 1G; Autosomal recessive limb-girdle muscular dystrophy type 2J. Last evaluated: 2026-01-19. Review status: criteria provided, single submitter. Criteria: Invitae Variant Classification Sherloc (09022015). Collection method: clinical testing. Allele origin: germline.
Comment: This sequence change creates a premature translational stop signal (p.Glu31106*) in the TTN gene. While this is not anticipated to result in nonsense mediated decay, it is expected to create a truncated TTN protein. This variant is not present in population databases (gnomAD no frequency). This variant has not been reported in the literature in individuals affected with TTN-related conditions. ClinVar contains an entry for this variant (Variation ID: 3754903). This variant is located in the A band of TTN (PMID: 25589632). Truncating variants in this region are significantly overrepresented in patients affected with dilated cardiomyopathy (PMID: 25589632). Truncating variants in this region have also been reported in individuals affected with autosomal recessive centronuclear myopathy (PMID: 23975875). In summary, the currently available evidence indicates that the variant is pathogenic, but additional data are needed to prove that conclusively. Therefore, this variant has been classified as Likely Pathogenic.

Literature cited by the submitters: PubMed 25589632; PubMed 23975875.

NM_001267550.2(TTN):c.93316G>T (p.Glu31106Ter)

Genes: TTN-AS1 (TTN antisense RNA 1; plus strand), TTN (titin; minus strand). Cytogenetic location: 2q31.2.
Variant type: single nucleotide variant.
Coding change: c.93316G>T on transcript NM_001267550.2 (MANE Select); coding-DNA position 93316, G replaced by T.
Protein change: p.Glu31106Ter; replaces glutamic acid 31106 with a stop codon.
Molecular consequence: nonsense.
Genome position (GRCh38, 1-based): chr2:178,548,310, C>A on the plus strand (G>T on the coding strand, the complement: TTN is on the minus strand). VCF-style: chr2-178548310-C-A. GRCh37 (hg19) VCF-style: chr2-179413037-C-A.
Other names: c.88393G>T, p.Glu29465Ter (NM_001256850.1); c.66121G>T, p.Glu22041Ter (NM_003319.4); c.85612G>T, p.Glu28538Ter (NM_133378.4); c.66496G>T, p.Glu22166Ter (NM_133432.3); c.66697G>T, p.Glu22233Ter (NM_133437.4); short protein forms E22041*, E22166*, E22233*, E28538*, E29465*, E31106*.
Identifiers: ClinVar variation 3754903 (VCV003754903.2).